The following is an entry in ClinVar:

ClinVar aggregate classification (germline): Pathogenic (1 of 4 stars; one submission).

Conditions:
Mucopolysaccharidosis, MPS-IV-B (MPS4B). Also called: MORQUIO SYNDROME B; Mucopolysaccharidosis Type IVB (Morquio B Disease); Mucopolysaccharidosis type 4B; Mucopolysaccharidosis type IVB (Morquio); MPS IVB; Mucopolysaccharidosis type IV B. Identifiers: Orphanet 309310, Orphanet 582, MedGen C0086652, MONDO:0009660, OMIM 253010.
GM1 gangliosidosis. Identifiers: Orphanet 354, MedGen C0085131, MONDO:0018149.

Allele frequency attached by ClinVar (database versions not stated): gnomAD exomes below 0.00001.
gnomAD v4.1: 2 of 1,614,142 alleles (0.00012%); highest among the groups gnomAD compares: South Asian, 0.0011%; no homozygotes.

Submission:

Labcorp Genetics (formerly Invitae), Labcorp
Classification: Pathogenic for Mucopolysaccharidosis, MPS-IV-B; GM1 gangliosidosis. Last evaluated: 2023-03-10. Review status: criteria provided, single submitter. Criteria: Invitae Variant Classification Sherloc (09022015). Collection method: clinical testing. Allele origin: germline.
Comment: For these reasons, this variant has been classified as Pathogenic. Algorithms developed to predict the effect of sequence changes on RNA splicing suggest that this variant may disrupt the consensus splice site. ClinVar contains an entry for this variant (Variation ID: 1419594). Disruption of this splice site has been observed in individual(s) with GM1 gangliosidosis (PMID: 25936995). This variant is not present in population databases (gnomAD no frequency). This sequence change affects an acceptor splice site in intron 2 of the GLB1 gene. It is expected to disrupt RNA splicing. Variants that disrupt the donor or acceptor splice site typically lead to a loss of protein function (PMID: 16199547), and loss-of-function variants in GLB1 are known to be pathogenic (PMID: 18524657).

Literature cited by the submitters: PubMed 25936995; PubMed 16199547; PubMed 18524657.

NM_000404.4(GLB1):c.246-2A>G

Gene: GLB1 (galactosidase beta 1; minus strand). Cytogenetic location: 3p22.3.
Variant type: single nucleotide variant.
Coding change: c.246-2A>G on transcript NM_000404.4 (MANE Select); the canonical splice acceptor site of the intron before coding-DNA position 246, A replaced by G.
Molecular consequence: splice acceptor variant. On other transcripts: intron variant (1).
Genome position (GRCh38, 1-based): chr3:33,068,972, T>C on the plus strand (A>G on the coding strand, the complement: GLB1 is on the minus strand). VCF-style: chr3-33068972-T-C. GRCh37 (hg19) VCF-style: chr3-33110464-T-C.
Other names: c.246-2A>G (NM_001393580.1); c.246-3415A>G (NM_001135602.3); c.390-2A>G (NM_001317040.2); c.156-2A>G (NM_001079811.3).
Identifiers: ClinVar variation 1419594 (VCV001419594.8), dbSNP rs2125548861, ClinGen allele CA351995624.